The following is an entry in ClinVar:

ClinVar aggregate classification (germline): Benign/Likely benign. Review status: criteria provided, multiple submitters, no conflicts (2 of 4 stars). 3 submissions from 3 submitters: Benign (1); Likely benign (2). Last evaluated 2018-06-19.

Allele frequency attached by ClinVar (database versions not stated): ESP Exome Variant Server 0.01899; gnomAD 0.01944 and 0.02020; TOPMed 0.02153; 1000 Genomes Project 30x 0.02405; 1000 Genomes Project 0.02516; gnomAD exomes 0.02795 and 0.02810; ExAC 0.03143.

Submissions (3):

GeneDx
Classification: Likely benign. Last evaluated: 2018-06-19. Review status: criteria provided, single submitter. Criteria: GeneDx Variant Classification (06012015). Collection method: clinical testing. Allele origin: germline. Affected: yes.
Comment: This variant is considered likely benign or benign based on one or more of the following criteria: it is a conservative change, it occurs at a poorly conserved position in the protein, it is predicted to be benign by multiple in silico algorithms, and/or has population frequency not consistent with disease.

Breakthrough Genomics
Classification: Likely benign. Review status: criteria provided, single submitter. Criteria: ACMG Guidelines, 2015. Collection method: not provided. Allele origin: germline. Inheritance: Autosomal recessive inheritance. Affected: yes.

PreventionGenetics, part of Exact Sciences
Classification: Benign. Review status: criteria provided, single submitter. Criteria: ACMG Guidelines, 2015. Collection method: clinical testing. Allele origin: germline.

NM_001134831.2(AHI1):c.1780-47C>T

Gene: AHI1 (Abelson helper integration site 1; minus strand). Cytogenetic location: 6q23.3.
Variant type: single nucleotide variant.
Coding change: c.1780-47C>T on transcript NM_001134831.2 (MANE Select); 47 bases into the intron before coding-DNA position 1780, C replaced by T.
Molecular consequence: intron variant.
Genome position (GRCh38, 1-based): chr6:135,442,761, G>A on the plus strand (C>T on the coding strand, the complement: AHI1 is on the minus strand). VCF-style: chr6-135442761-G-A. GRCh37 (hg19) VCF-style: chr6-135763899-G-A.
Other names: c.1780-47C>T (NM_001134830.2, NM_001350503.2, NM_017651.5 and 2 more transcripts).
Identifiers: ClinVar variation 260840 (VCV000260840.3), dbSNP rs17053651, ClinGen allele CA4012515.
Genomic context (GRCh38, chr6:135,442,761, plus strand): 5'-GGGATACGGCAAGCCTAAAAAACATACGTTTAAAAAATATAAATTAGCAAACATTAAAAC[G>A]CGAAGGCTAGTTTTTAATTTCAATTACTGTAGTTCTTTTAAGTCCTTTTATGATGCAGAG-3'